The following is an entry in ClinVar:

NM_015443.4(KANSL1):c.1533+3A>G

Gene: KANSL1 (KAT8 regulatory NSL complex subunit 1). Cytogenetic location: 17q21.31.
Variant type: single nucleotide variant.
Coding change: c.1533+3A>G on transcript NM_015443.4 (MANE Select); 3 bases into the intron after coding-DNA position 1533, A replaced by G.
Molecular consequence: intron variant.
Genome position (GRCh38, 1-based): chr17:46,082,438, T>C on the plus strand (A>G on the coding strand, the complement: KANSL1 is on the minus strand). VCF-style: chr17-46082438-T-C. GRCh37 (hg19) VCF-style: chr17-44159804-T-C.
Other names: c.1533+3A>G (NM_001193465.2, NM_001379198.1, NM_001193466.2).
Identifiers: ClinVar variation 1031223 (VCV001031223.2), dbSNP rs1944843364, ClinGen allele CA2262134754.

ClinVar aggregate classification (germline): Uncertain significance. Review status: criteria provided, multiple submitters, no conflicts (2 of 4 stars). 2 submissions from 2 submitters: Uncertain significance (2). Last evaluated 2025-05-22.

Conditions:
Koolen-de Vries syndrome (KDVS). Identifiers: Orphanet 96169, MedGen C1864871, MONDO:0012496, OMIM 610443.

Submissions (2):

Labcorp Genetics (formerly Invitae), Labcorp
Classification: Uncertain significance for Koolen-de Vries syndrome. Last evaluated: 2025-05-22. Review status: criteria provided, single submitter. Criteria: Invitae Variant Classification Sherloc (09022015). Collection method: clinical testing. Allele origin: germline.
Comment: This sequence change falls in intron 4 of the KANSL1 gene. It does not directly change the encoded amino acid sequence of the KANSL1 protein. It affects a nucleotide within the consensus splice site. This variant is not present in population databases (gnomAD no frequency). This variant has not been reported in the literature in individuals affected with KANSL1-related conditions. ClinVar contains an entry for this variant (Variation ID: 1031223). Variants that disrupt the consensus splice site are a relatively common cause of aberrant splicing (PMID: 17576681, 9536098). Algorithms developed to predict the effect of sequence changes on RNA splicing suggest that this variant is not likely to affect RNA splicing. In summary, the available evidence is currently insufficient to determine the role of this variant in disease. Therefore, it has been classified as a Variant of Uncertain Significance.

Baylor Genetics
Classification: Uncertain significance for Koolen-de Vries syndrome. Last evaluated: 2019-12-16. Review status: criteria provided, single submitter. Criteria: ACMG Guidelines, 2015. Collection method: clinical testing. Allele origin: unknown. Affected: yes.
Comment: This variant was determined to be of uncertain significance according to ACMG Guidelines, 2015 [PMID:25741868].

Literature cited by the submitters: PubMed 17576681 (cited by Labcorp Genetics (formerly Invitae), Labcorp); PubMed 9536098 (cited by Labcorp Genetics (formerly Invitae), Labcorp).